The following is an entry in ClinVar:

ClinVar aggregate classification (germline): Uncertain significance (1 of 4 stars; one submission).

Submission:

Labcorp Genetics (formerly Invitae), Labcorp
Classification: Uncertain significance. Last evaluated: 2020-12-26. Review status: criteria provided, single submitter. Criteria: Invitae Variant Classification Sherloc (09022015). Collection method: clinical testing. Allele origin: germline.
Comment: In summary, the available evidence is currently insufficient to determine the role of this variant in disease. Therefore, it has been classified as a Variant of Uncertain Significance. Algorithms developed to predict the effect of sequence changes on RNA splicing suggest that this variant may create or strengthen a splice site, but this prediction has not been confirmed by published transcriptional studies. Advanced modeling of protein sequence and biophysical properties (such as structural, functional, and spatial information, amino acid conservation, physicochemical variation, residue mobility, and thermodynamic stability) performed at Invitae indicates that this missense variant is not expected to disrupt KMT2A protein function. This variant has not been reported in the literature in individuals with KMT2A-related conditions. This variant is not present in population databases (ExAC no frequency). This sequence change replaces asparagine with serine at codon 3795 of the KMT2A protein (p.Asn3795Ser). The asparagine residue is moderately conserved and there is a small physicochemical difference between asparagine and serine.

NM_001197104.2(KMT2A):c.11384A>G (p.Asn3795Ser)

Genes: KMT2A (lysine methyltransferase 2A; plus strand), TTC36-AS1 (TTC36 and KMT2A antisense RNA 1; minus strand). Cytogenetic location: 11q23.3.
Variant type: single nucleotide variant.
Coding change: c.11384A>G on transcript NM_001197104.2 (MANE Select); coding-DNA position 11384, A replaced by G.
Protein change: p.Asn3795Ser; replaces asparagine 3795 with serine.
Molecular consequence: missense variant.
Genome position (GRCh38, 1-based): chr11:118,520,019, A>G. VCF-style: chr11-118520019-A-G. GRCh37 (hg19) VCF-style: chr11-118390734-A-G.
Other names: c.11375A>G, p.Asn3792Ser (NM_005933.4); short protein forms N3795S, N3792S.
Identifiers: ClinVar variation 1360108 (VCV001360108.8), dbSNP rs2135285459, ClinGen allele CA382833665.